The following is an entry in ClinVar:

ClinVar aggregate classification (germline): Uncertain significance. Review status: criteria provided, multiple submitters, no conflicts (2 of 4 stars). 3 submissions from 3 submitters: Uncertain significance (3). Last evaluated 2022-05-12.

Conditions:
Combined oxidative phosphorylation defect type 20. Also called: Combined oxidative phosphorylation deficiency 20. Identifiers: Orphanet 420728, MedGen C4014660, MONDO:0014397, OMIM 615917.

Allele frequency attached by ClinVar (database versions not stated): gnomAD below 0.00001 and 0.00003; TOPMed 0.00002; gnomAD exomes 0.00005 and 0.00014; ExAC 0.00015.
gnomAD v4.1: 82 of 1,612,962 alleles (0.0051%); highest among the groups gnomAD compares: South Asian, 0.082%; no homozygotes.

Submissions (3):

Labcorp Genetics (formerly Invitae), Labcorp
Classification: Uncertain significance. Last evaluated: 2022-05-12. Review status: criteria provided, single submitter. Criteria: Invitae Variant Classification Sherloc (09022015). Collection method: clinical testing. Allele origin: germline.
Comment: This sequence change replaces glutamine, which is neutral and polar, with arginine, which is basic and polar, at codon 1037 of the VARS2 protein (p.Gln1037Arg). This variant is present in population databases (rs773482888, gnomAD 0.1%). This variant has not been reported in the literature in individuals affected with VARS2-related conditions. ClinVar contains an entry for this variant (Variation ID: 638479). Algorithms developed to predict the effect of missense changes on protein structure and function are either unavailable or do not agree on the potential impact of this missense change (SIFT: "Tolerated"; PolyPhen-2: "Possibly Damaging"; Align-GVGD: "Class C0"). In summary, the available evidence is currently insufficient to determine the role of this variant in disease. Therefore, it has been classified as a Variant of Uncertain Significance.

Mayo Clinic Laboratories, Mayo Clinic
Classification: Uncertain significance. Last evaluated: 2019-06-24. Review status: criteria provided, single submitter. Criteria: ACMG Guidelines, 2015. Collection method: clinical testing. Allele origin: germline. Observed: 1 variant allele.

Genomic Research Center, Shahid Beheshti University of Medical Sciences
Classification: Uncertain significance for Combined oxidative phosphorylation deficiency 20. Last evaluated: 2019-04-27. Review status: criteria provided, single submitter. Criteria: ACMG Guidelines, 2015. Collection method: clinical testing. Allele origin: unknown. Affected: yes.

NM_020442.6(VARS2):c.3020A>G (p.Gln1007Arg)

Gene: VARS2 (valyl-tRNA synthetase 2, mitochondrial; plus strand). Cytogenetic location: 6p21.33.
Variant type: single nucleotide variant.
Coding change: c.3020A>G on transcript NM_020442.6 (MANE Select); coding-DNA position 3020, A replaced by G.
Protein change: p.Gln1007Arg; replaces glutamine 1007 with arginine.
Molecular consequence: missense variant.
Genome position (GRCh38, 1-based): chr6:30,925,938, A>G. VCF-style: chr6-30925938-A-G. GRCh37 (hg19) VCF-style: chr6-30893715-A-G.
Other names: c.2600A>G, p.Gln867Arg (NM_001167733.3); c.3110A>G, p.Gln1037Arg (NM_001167734.2); short protein forms Q1007R, Q1037R, Q867R.
Identifiers: ClinVar variation 638479 (VCV000638479.9), dbSNP rs773482888, ClinGen allele CA3706433.
Genomic context (GRCh38, chr6:30,925,938, plus strand): 5'-AGGGCCTGGTGGACCCGCAGATCCAGCTACCTCTGTTAGCCGCCCGAAGGTACAAGTTGC[A>G]GAAGCAGCTTGACAGCCTCACAGCCAGGACCCCATCAGAAGGGGAGGCAGGGACTCAGAG-3'
Protein context (NP_065175.4, residues 997-1017): PLLAARRYKL[Gln1007Arg]KQLDSLTART